The following is an entry in ClinVar:

NM_000038.6(APC):c.2764C>T (p.Leu922Phe)

Gene: APC (APC regulator of Wnt signaling pathway; plus strand). Cytogenetic location: 5q22.2.
Variant type: single nucleotide variant.
Coding change: c.2764C>T on transcript NM_000038.6 (MANE Select); coding-DNA position 2764, C replaced by T.
Protein change: p.Leu922Phe; replaces leucine 922 with phenylalanine.
Molecular consequence: missense variant.
Genome position (GRCh38, 1-based): chr5:112,838,358, C>T. VCF-style: chr5-112838358-C-T. GRCh37 (hg19) VCF-style: chr5-112174055-C-T.
Other names: c.2764C>T, p.Leu922Phe (NM_001127510.3, NM_001354895.2); c.2710C>T, p.Leu904Phe (NM_001127511.3); c.2818C>T, p.Leu940Phe (NM_001354896.2); c.2794C>T, p.Leu932Phe (NM_001354897.2); c.2689C>T, p.Leu897Phe (NM_001354898.2); c.2680C>T, p.Leu894Phe (NM_001354899.2); c.2641C>T, p.Leu881Phe (NM_001354900.2); c.2587C>T, p.Leu863Phe (NM_001354901.2); and 5 more; short protein forms L904F, L922F, L639F, L762F, L831F, L894F, L932F, L821F.
Identifiers: ClinVar variation 428176 (VCV000428176.31), dbSNP rs150543576, ClinGen allele CA033363.

ClinVar aggregate classification (germline): Conflicting classifications of pathogenicity. Review status: criteria provided, conflicting classifications (1 of 4 stars). 7 submissions from 7 submitters: Uncertain significance (6); Likely benign (1). Last evaluated 2026-01-10.

Conditions:
Hereditary cancer-predisposing syndrome. Also called: Hereditary Cancer Syndrome; Tumor predisposition; Hereditary neoplastic syndrome; Neoplastic Syndromes, Hereditary. Identifiers: Orphanet 140162, MedGen C0027672, MeSH D009386, MONDO:0015356.
Familial adenomatous polyposis 1 (FAP1). Also called: POLYPOSIS, ADENOMATOUS INTESTINAL; FAMILIAL ADENOMATOUS POLYPOSIS 1, ATTENUATED. Identifiers: MedGen C2713442, MONDO:0021056, OMIM 175100. Disease mechanism: loss of function.

Allele frequency attached by ClinVar (database versions not stated): gnomAD exomes 0.00001 and below 0.00001; gnomAD 0.00002; TOPMed 0.00005; ESP Exome Variant Server 0.00008; ExAC 0.00001.
gnomAD v4.1: 6 of 1,614,002 alleles (0.00037%); highest among the groups gnomAD compares: African/African-American, 0.008%; no homozygotes.

Submissions (7):

Labcorp Genetics (formerly Invitae), Labcorp
Classification: Uncertain significance for Familial adenomatous polyposis 1. Last evaluated: 2026-01-10. Review status: criteria provided, single submitter. Criteria: Invitae Variant Classification Sherloc (09022015). Collection method: clinical testing. Allele origin: germline.
Comment: This sequence change replaces leucine, which is neutral and non-polar, with phenylalanine, which is neutral and non-polar, at codon 922 of the APC protein (p.Leu922Phe). This variant is present in population databases (rs150543576, gnomAD 0.01%). This variant has not been reported in the literature in individuals affected with APC-related conditions. ClinVar contains an entry for this variant (Variation ID: 428176). Invitae Evidence Modeling of protein sequence and biophysical properties (such as structural, functional, and spatial information, amino acid conservation, physicochemical variation, residue mobility, and thermodynamic stability) indicates that this missense variant is not expected to disrupt APC protein function with a negative predictive value of 95%. In summary, the available evidence is currently insufficient to determine the role of this variant in disease. Therefore, it has been classified as a Variant of Uncertain Significance.

Dasa
Classification: Uncertain significance. Last evaluated: 2025-05-27. Review status: criteria provided, single submitter. Criteria: DASA Assertion Criteria. Collection method: clinical testing. Allele origin: germline.
Comment: NM_000038.6(APC):c.2764C>T (p.Leu922Phe) is a missense variant that results in the substitution of leucine with phenylalanine. This variant is rare in population databases. The currently available literature and clinical evidence are not sufficient to establish a definitive association between this variant and the reported condition. Therefore, this variant is classified as a variant of uncertain significance.

GeneDx
Classification: Uncertain significance. Last evaluated: 2025-04-21. Review status: criteria provided, single submitter. Criteria: GeneDx Variant Classification Process June 2021. Collection method: clinical testing. Allele origin: germline. Affected: yes.
Comment: Not observed at significant frequency in large population cohorts (gnomAD); In silico analysis indicates that this missense variant does not alter protein structure/function; Has not been previously published as pathogenic or benign to our knowledge

Color Diagnostics, LLC DBA Color Health
Classification: Uncertain significance for Hereditary cancer-predisposing syndrome. Last evaluated: 2024-03-06. Review status: criteria provided, single submitter. Criteria: ACMG Guidelines, 2015. Collection method: clinical testing. Allele origin: germline.
Comment: This missense variant replaces leucine with phenylalanine at codon 922 of the APC protein. Computational prediction suggests that this variant may not impact protein structure and function (internally defined REVEL score threshold <= 0.5, PMID: 27666373). To our knowledge, functional studies have not been reported for this variant. This variant has not been reported in individuals affected with APC-related disorders in the literature. This variant has been identified in 3/282420 chromosomes in the general population by the Genome Aggregation Database (gnomAD). The available evidence is insufficient to determine the role of this variant in disease conclusively. Therefore, this variant is classified as a Variant of Uncertain Significance.

Ambry Genetics
Classification: Likely benign for Hereditary cancer-predisposing syndrome. Last evaluated: 2023-08-21. Review status: criteria provided, single submitter. Criteria: Ambry Variant Classification Scheme 2023. Collection method: clinical testing. Allele origin: germline.

St. Jude Molecular Pathology, St. Jude Children's Research Hospital
Classification: Uncertain significance for Familial adenomatous polyposis 1. Last evaluated: 2023-03-31. Review status: criteria provided, single submitter. Criteria: St. Jude Assertion Criteria 2020. Collection method: clinical testing. Allele origin: germline.
Comment: The APC c.2764C>T (p.Leu922Phe) missense change has a maximum subpopulation frequency of 0.012% in gnomAD v2.1.1. The in silico tool REVEL predicts a benign effect of this variant on protein function, but to our knowledge functional studies have not been performed. To our knowledge, this variant has not been reported in individuals with APC-related familial adenomatous polyposis. In summary, the evidence currently available is insufficient to determine the clinical significance of this variant. It has therefore been classified as of uncertain significance.?

Women's Health and Genetics/Laboratory Corporation of America, LabCorp
Classification: Uncertain significance. Last evaluated: 2018-01-29. Review status: criteria provided, single submitter. Criteria: LabCorp Variant Classification Summary - May 2015. Collection method: clinical testing. Allele origin: germline.
Comment: Variant summary: APC c.2764C>T (p.Leu922Phe) results in a non-conservative amino acid changelocated in the EB-1 binding(IPR009232) of the encoded protein sequence. Four of five in-silico tools predict a benign effect of the variant on protein function. The variant allele was found at a frequency of 8.3e-06 in 121162 control chromosomes in ExAC. The available data on variant occurrences in the general population are insufficient to allow any conclusion about clinical significance. To our knowledge, no occurrence of c.2764C>T in individuals affected with Familial Adenomatous Polyposis and no experimental evidence demonstrating its impact on protein function have been reported. Two clinical diagnostic laboratories have submitted clinical-significance assessments for this variant to ClinVar after 2014 without evidence for independent evaluation, both of which classified the variant as uncertain significance. Based on the evidence outlined above, the variant was classified as uncertain significance.